The following is an entry in ClinVar:

NM_001393982.1(ANKRD36C):c.483C>T (p.Ser161=)

Gene: ANKRD36C (ankyrin repeat domain 36C; minus strand). Cytogenetic location: 2q11.1.
Variant type: single nucleotide variant.
Coding change: c.483C>T on transcript NM_001393982.1 (MANE Select); coding-DNA position 483, C replaced by T.
Protein change: p.Ser161=; no amino-acid change (serine 161 retained).
Molecular consequence: synonymous variant.
Genome position (GRCh38, 1-based): chr2:95,986,754, G>A on the plus strand (C>T on the coding strand, the complement: ANKRD36C is on the minus strand). VCF-style: chr2-95986754-G-A. GRCh37 (hg19) VCF-style: chr2-96652502-G-A.
Other names: c.483C>T, p.Ser161= (NM_001310154.3).
Identifiers: ClinVar variation 4872432 (VCV004872432.2).

ClinVar aggregate classification (germline): Likely benign (1 of 4 stars; one submission).

gnomAD v4.1: 93 of 1,610,782 alleles (0.0058%); highest among the groups gnomAD compares: Non-Finnish European, 0.0075%; no homozygotes.

Submission:

CeGaT Center for Human Genetics Tuebingen
Classification: Likely benign. Last evaluated: 2026-05-01. Review status: criteria provided, single submitter. Criteria: CeGaT Center For Human Genetics Tuebingen Variant Classification Criteria Version 2. Collection method: clinical testing. Allele origin: germline. Affected: yes. Observed: 1 variant allele.
Comment: ANKRD36C: BP4, BP7